The following is an entry in ClinVar:

NM_024675.4(PALB2):c.1520C>G (p.Ala507Gly)

Gene: PALB2 (partner and localizer of BRCA2; minus strand). Cytogenetic location: 16p12.2.
Variant type: single nucleotide variant.
Coding change: c.1520C>G on transcript NM_024675.4 (MANE Select); coding-DNA position 1520, C replaced by G.
Protein change: p.Ala507Gly; replaces alanine 507 with glycine.
Molecular consequence: missense variant. On other transcripts: intron variant (3).
Genome position (GRCh38, 1-based): chr16:23,635,026, G>C on the plus strand (C>G on the coding strand, the complement: PALB2 is on the minus strand). VCF-style: chr16-23635026-G-C. GRCh37 (hg19) VCF-style: chr16-23646347-G-C.
Other names: c.1460C>G, p.Ala487Gly (NM_001407296.1); c.1520C>G, p.Ala507Gly (NM_001407297.1, NM_001407298.1, NM_001407299.1 and 3 more transcripts); c.635C>G, p.Ala212Gly (NM_001407304.1, NM_001407305.1, NM_001407306.1 and 5 more transcripts); c.49-5751C>G (NM_001407314.1); c.-104-4557C>G (NM_001407313.1, NM_001407312.1); short protein forms A507G, A487G, A212G.
Identifiers: ClinVar variation 3885213 (VCV003885213.1).
Genomic context (GRCh38, chr16:23,635,026, plus strand): 5'-CAATGATCTGATGCTGGGGTGCAGGCTGATTTTCTTTTTCCTGTGTATCTTCTACCAGGT[G>C]CTTGGGCAACTGCCTTCCTAGACAAGTCATTATCTTCAGTGGGCCCAGCGGGAGAGCTGA-3'
Protein context (NP_078951.2, residues 497-517): NDLSRKAVAQ[Ala507Gly]PGRRYTGKRK

ClinVar aggregate classification (germline): Uncertain significance (1 of 4 stars; one submission).

Conditions:
Hereditary cancer-predisposing syndrome. Also called: Tumor predisposition; Neoplastic Syndromes, Hereditary; Hereditary Cancer Syndrome; Hereditary neoplastic syndrome. Identifiers: Orphanet 140162, MedGen C0027672, MeSH D009386, MONDO:0015356.

Submission:

Ambry Genetics
Classification: Uncertain significance for Hereditary cancer-predisposing syndrome. Last evaluated: 2025-01-25. Review status: criteria provided, single submitter. Criteria: Ambry Variant Classification Scheme 2023. Collection method: clinical testing. Allele origin: germline.
Comment: The p.A507G variant (also known as c.1520C>G), located in coding exon 4 of the PALB2 gene, results from a C to G substitution at nucleotide position 1520. The alanine at codon 507 is replaced by glycine, an amino acid with similar properties. This amino acid position is conserved. In addition, this alteration is predicted to be tolerated by in silico analysis. Based on the available evidence, the clinical significance of this variant remains unclear.